The following is an entry in ClinVar:

NM_000036.3(AMPD1):c.1794A>T (p.Leu598Phe)

Gene: AMPD1 (adenosine monophosphate deaminase 1; minus strand). Cytogenetic location: 1p13.2.
Variant type: single nucleotide variant.
Coding change: c.1794A>T on transcript NM_000036.3 (MANE Select); coding-DNA position 1794, A replaced by T.
Protein change: p.Leu598Phe; replaces leucine 598 with phenylalanine.
Molecular consequence: missense variant.
Genome position (GRCh38, 1-based): chr1:114,674,758, T>A on the plus strand (A>T on the coding strand, the complement: AMPD1 is on the minus strand). VCF-style: chr1-114674758-T-A. GRCh37 (hg19) VCF-style: chr1-115217379-T-A.
Other names: c.1782A>T, p.Leu594Phe (NM_001172626.2); short protein forms L631F, L594F, L598F.
Identifiers: ClinVar variation 559257 (VCV000559257.15), dbSNP rs200717164, ClinGen allele CA1020017.

ClinVar aggregate classification (germline): Uncertain significance. Review status: criteria provided, multiple submitters, no conflicts (2 of 4 stars). 5 submissions from 5 submitters: Uncertain significance (4). 1 of the submissions does not count toward it. Last evaluated 2026-01-14.

Conditions:
Muscle AMP deaminase deficiency (MMDD). Also called: Myoadenylate deaminase deficiency, myopathy due to; Adenosine monophosphate deaminase 1 deficiency; AMP deaminase 1 deficiency; Adenosine Monophosphate Deaminase 1; AMPD1 DEFICIENCY; ADENOSINE MONOPHOSPHATE DEAMINASE-1 DEFICIENCY, MYOPATHY DUE TO. Identifiers: Orphanet 45, MedGen C3714933, MONDO:0014220, OMIM 615511.

Allele frequency attached by ClinVar (database versions not stated): ESP Exome Variant Server 0.00008; ExAC 0.00016; gnomAD exomes 0.00021 and 0.00040; TOPMed 0.00023; gnomAD 0.00025.
gnomAD v4.1: 606 of 1,613,756 alleles (0.038%); highest among the groups gnomAD compares: Non-Finnish European, 0.045%; no homozygotes.

Submissions (5):

Labcorp Genetics (formerly Invitae), Labcorp
Classification: Uncertain significance for Muscle AMP deaminase deficiency. Last evaluated: 2026-01-14. Review status: criteria provided, single submitter. Criteria: Invitae Variant Classification Sherloc (09022015). Collection method: clinical testing. Allele origin: germline.
Comment: This sequence change replaces leucine, which is neutral and non-polar, with phenylalanine, which is neutral and non-polar, at codon 631 of the AMPD1 protein (p.Leu631Phe). This variant is present in population databases (rs200717164, gnomAD 0.2%). This variant has not been reported in the literature in individuals affected with AMPD1-related conditions. ClinVar contains an entry for this variant (Variation ID: 559257). Invitae Evidence Modeling of protein sequence and biophysical properties (such as structural, functional, and spatial information, amino acid conservation, physicochemical variation, residue mobility, and thermodynamic stability) indicates that this missense variant is expected to disrupt AMPD1 protein function with a positive predictive value of 80%. In summary, the available evidence is currently insufficient to determine the role of this variant in disease. Therefore, it has been classified as a Variant of Uncertain Significance.

Women's Health and Genetics/Laboratory Corporation of America, LabCorp
Classification: Uncertain significance. Last evaluated: 2025-03-06. Review status: criteria provided, single submitter. Criteria: LabCorp Variant Classification Summary - May 2015. Collection method: clinical testing. Allele origin: germline.
Comment: Variant summary: AMPD1 c.1794A>T (p.Leu598Phe) results in a non-conservative amino acid change located in the AMP deaminase domain (IPR006329) of the encoded protein sequence. Five of five in-silico tools predict a damaging effect of the variant on protein function. The variant allele was found at a frequency of 0.00021 in 251408 control chromosomes. This frequency is not significantly higher than estimated for a pathogenic variant in AMPD1 causing Muscle AMP Deaminase Deficiency, allowing no conclusion about variant significance. To our knowledge, no occurrence of c.1794A>T in individuals affected with Muscle AMP Deaminase Deficiency and no experimental evidence demonstrating its impact on protein function have been reported. ClinVar contains an entry for this variant (Variation ID: 559257). Based on the evidence outlined above, the variant was classified as uncertain significance.

GeneDx
Classification: Uncertain significance. Last evaluated: 2022-06-28. Review status: criteria provided, single submitter. Criteria: GeneDx Variant Classification Process June 2021. Collection method: clinical testing. Allele origin: germline. Affected: yes.
Comment: In silico analysis supports that this missense variant has a deleterious effect on protein structure/function; Has not been previously published as pathogenic or benign to our knowledge

Revvity Omics, Revvity
Classification: Uncertain significance for Muscle AMP deaminase deficiency. Last evaluated: 2019-04-10. Review status: criteria provided, single submitter. Criteria: ACMG Guidelines, 2015. Collection method: clinical testing. Allele origin: germline.

Mayo Clinic Laboratories, Mayo Clinic
Classification: Uncertain significance. Last evaluated: 2016-03-07. Review status: no assertion criteria provided. Collection method: clinical testing. Allele origin: unknown. Not counted in ClinVar's aggregate classification.